The following is an entry in ClinVar:

NM_004530.6(MMP2):c.1493C>T (p.Thr498Met)

Gene: MMP2 (matrix metallopeptidase 2; plus strand). Cytogenetic location: 16q12.2.
Variant type: single nucleotide variant.
Coding change: c.1493C>T on transcript NM_004530.6 (MANE Select); coding-DNA position 1493, C replaced by T.
Protein change: p.Thr498Met; replaces threonine 498 with methionine.
Molecular consequence: missense variant.
Genome position (GRCh38, 1-based): chr16:55,496,946, C>T. VCF-style: chr16-55496946-C-T. GRCh37 (hg19) VCF-style: chr16-55530858-C-T.
Other names: c.1343C>T, p.Thr448Met (NM_001127891.3); c.1265C>T, p.Thr422Met (NM_001302508.1, NM_001302509.2, NM_001302510.2); short protein forms T422M, T448M, T498M.
Identifiers: ClinVar variation 888307 (VCV000888307.5), dbSNP rs764961297, ClinGen allele CA8060472.

ClinVar aggregate classification (germline): Uncertain significance. Review status: criteria provided, multiple submitters, no conflicts (2 of 4 stars). 2 submissions from 2 submitters: Uncertain significance (2). Last evaluated 2024-11-25.

Conditions:
Inborn genetic diseases. Identifiers: MedGen C0950123, MeSH D030342.
Multicentric osteolysis nodulosis arthropathy spectrum. Identifiers: Orphanet 3460, Orphanet 371428, MedGen C1850155, MONDO:0018298.

Allele frequency attached by ClinVar (database versions not stated): gnomAD exomes 0.00002 and 0.00005; gnomAD 0.00003; ExAC 0.00004; TOPMed 0.00006.
gnomAD v4.1: 51 of 1,613,968 alleles (0.0032%); highest among the groups gnomAD compares: Admixed American, 0.012%; no homozygotes.

Submissions (2):

Ambry Genetics
Classification: Uncertain significance for Inborn genetic diseases. Last evaluated: 2024-11-25. Review status: criteria provided, single submitter. Criteria: Ambry Variant Classification Scheme 2023. Collection method: clinical testing. Allele origin: germline.

Illumina Laboratory Services, Illumina
Classification: Uncertain significance for Multicentric osteolysis, nodulosis, and arthropathy. Last evaluated: 2017-05-02. Review status: criteria provided, single submitter. Criteria: ICSL Variant Classification Criteria 13 December 2019. Collection method: clinical testing. Allele origin: germline.
Comment: This variant was observed as part of a predisposition screen in an ostensibly healthy population. A literature search was performed for the gene, cDNA change, and amino acid change (where applicable). Publications were found based on this search. However, the evidence from the literature, in combination with allele frequency data from public databases where available, was not sufficient to rule this variant in or out of causing disease. Therefore, this variant is classified as a variant of unknown significance.

Literature cited by the submitters: PubMed 21421877 (cited by Illumina Laboratory Services, Illumina); PubMed 23313298 (cited by Illumina Laboratory Services, Illumina).